The following is an entry in ClinVar:

NM_001673.5(ASNS):c.1348G>C (p.Glu450Gln)

Genes: ASNS (asparagine synthetase (glutamine-hydrolyzing); minus strand), CZ1P-ASNS (CZ1P-ASNS readthrough; minus strand). Cytogenetic location: 7q21.3.
Variant type: single nucleotide variant.
Coding change: c.1348G>C on transcript NM_001673.5 (MANE Select); coding-DNA position 1348, G replaced by C.
Protein change: p.Glu450Gln; replaces glutamic acid 450 with glutamine.
Molecular consequence: missense variant. On other transcripts: non-coding transcript variant (1).
Genome position (GRCh38, 1-based): chr7:97,853,188, C>G on the plus strand (G>C on the coding strand, the complement: ASNS is on the minus strand). VCF-style: chr7-97853188-C-G. GRCh37 (hg19) VCF-style: chr7-97482500-C-G.
Other names: c.1285G>C, p.Glu429Gln (NM_001178075.2); c.1099G>C, p.Glu367Gln (NM_001178076.2, NM_001178077.1); c.1348G>C, p.Glu450Gln (NM_001352496.2, NM_133436.3, NM_183356.4); short protein forms E450Q, E429Q, E367Q.
Identifiers: ClinVar variation 2840051 (VCV002840051.3), dbSNP rs2484629260, ClinGen allele CA368264865.
Genomic context (GRCh38, chr7:97,853,188, plus strand): 5'-AGGCTTCTTTTGGTCGCCAGAGAATCTCTTTGGGTATCAGATTGGAATCCTCAAACGTCT[C>G]TCTCAGGAGATGTTTTTCTATCCCATTCTGACGTGACAAAAAAAGGAGCATCAGGTAAAA-3'
Protein context (NP_001664.3, residues 440-460): KNGIEKHLLR[Glu450Gln]TFEDSNLIPK

ClinVar aggregate classification (germline): Uncertain significance (1 of 4 stars; one submission).

Submission:

Labcorp Genetics (formerly Invitae), Labcorp
Classification: Uncertain significance. Last evaluated: 2023-07-07. Review status: criteria provided, single submitter. Criteria: Invitae Variant Classification Sherloc (09022015). Collection method: clinical testing. Allele origin: germline.
Comment: This sequence change replaces glutamic acid, which is acidic and polar, with glutamine, which is neutral and polar, at codon 450 of the ASNS protein (p.Glu450Gln). This variant is not present in population databases (gnomAD no frequency). This variant has not been reported in the literature in individuals affected with ASNS-related conditions. Advanced modeling of protein sequence and biophysical properties (such as structural, functional, and spatial information, amino acid conservation, physicochemical variation, residue mobility, and thermodynamic stability) performed at Invitae indicates that this missense variant is not expected to disrupt ASNS protein function. In summary, the available evidence is currently insufficient to determine the role of this variant in disease. Therefore, it has been classified as a Variant of Uncertain Significance.